The following is an entry in ClinVar:

NM_032447.5(FBN3):c.7843G>A (p.Ala2615Thr)

Gene: FBN3 (fibrillin 3; minus strand). Cytogenetic location: 19p13.2.
Variant type: single nucleotide variant.
Coding change: c.7843G>A on transcript NM_032447.5 (MANE Select); coding-DNA position 7843, G replaced by A.
Protein change: p.Ala2615Thr; replaces alanine 2615 with threonine.
Molecular consequence: missense variant.
Genome position (GRCh38, 1-based): chr19:8,073,157, C>T on the plus strand (G>A on the coding strand, the complement: FBN3 is on the minus strand). VCF-style: chr19-8073157-C-T. GRCh37 (hg19) VCF-style: chr19-8138041-C-T.
Other names: c.7843G>A, p.Ala2615Thr (NM_001321431.2); short protein forms A2615T.
Identifiers: ClinVar variation 3093405 (VCV003093405.3), dbSNP rs374630040, ClinGen allele CA9150730.

ClinVar aggregate classification (germline): Uncertain significance. Review status: criteria provided, multiple submitters, no conflicts (2 of 4 stars). 2 submissions from 2 submitters: Uncertain significance (2). Last evaluated 2024-02-14.

Allele frequency attached by ClinVar (database versions not stated): ExAC 0.00006; gnomAD exomes 0.00006; gnomAD 0.00007; TOPMed 0.00008; ESP Exome Variant Server 0.00023.
gnomAD v4.1: 90 of 1,613,720 alleles (0.0056%); highest among the groups gnomAD compares: Non-Finnish European, 0.0075%; no homozygotes.

Submissions (2):

Labcorp Genetics (formerly Invitae), Labcorp
Classification: Uncertain significance. Last evaluated: 2024-02-14. Review status: criteria provided, single submitter. Criteria: Invitae Variant Classification Sherloc (09022015). Collection method: clinical testing. Allele origin: germline.
Comment: This sequence change replaces alanine, which is neutral and non-polar, with threonine, which is neutral and polar, at codon 2615 of the FBN3 protein (p.Ala2615Thr). This variant is present in population databases (rs374630040, gnomAD 0.01%). This variant has not been reported in the literature in individuals affected with FBN3-related conditions. Advanced modeling of protein sequence and biophysical properties (such as structural, functional, and spatial information, amino acid conservation, physicochemical variation, residue mobility, and thermodynamic stability) performed at Invitae indicates that this missense variant is not expected to disrupt FBN3 protein function with a negative predictive value of 80%. In summary, the available evidence is currently insufficient to determine the role of this variant in disease. Therefore, it has been classified as a Variant of Uncertain Significance.

Ambry Genetics
Classification: Uncertain significance. Last evaluated: 2023-03-06. Review status: criteria provided, single submitter. Criteria: Ambry Variant Classification Scheme 2023. Collection method: clinical testing. Allele origin: germline.